The following is an entry in ClinVar:

NM_001365536.1(SCN9A):c.5458A>G (p.Lys1820Glu)

Genes: SCN1A-AS1 (SCN1A and SCN9A antisense RNA 1; plus strand), SCN9A (sodium voltage-gated channel alpha subunit 9; minus strand). Cytogenetic location: 2q24.3.
Variant type: single nucleotide variant.
Coding change: c.5458A>G on transcript NM_001365536.1 (MANE Select); coding-DNA position 5458, A replaced by G.
Protein change: p.Lys1820Glu; replaces lysine 1820 with glutamic acid.
Molecular consequence: missense variant.
Genome position (GRCh38, 1-based): chr2:166,199,181, T>C on the plus strand (A>G on the coding strand, the complement: SCN9A is on the minus strand). VCF-style: chr2-166199181-T-C. GRCh37 (hg19) VCF-style: chr2-167055691-T-C.
Other names: c.5425A>G, p.Lys1809Glu (NM_002977.4); short protein forms K1809E, K1820E.
Identifiers: ClinVar variation 3762347 (VCV003762347.2).

ClinVar aggregate classification (germline): Uncertain significance (1 of 4 stars; one submission).

Conditions:
Neuropathy, hereditary sensory and autonomic, type 2A (HSAN2A). Also called: HSAN IIA; ACROOSTEOLYSIS, GIACCAI TYPE; ACROOSTEOLYSIS, NEUROGENIC; MORVAN DISEASE; NEUROPATHY, CONGENITAL SENSORY; NEUROPATHY, HEREDITARY SENSORY RADICULAR, AUTOSOMAL RECESSIVE. Identifiers: Orphanet 970, MedGen C2752089, MONDO:0024309, OMIM 201300.
Generalized epilepsy with febrile seizures plus, type 7 (GEFSP7). Also called: GEFS+, TYPE 7. Identifiers: Orphanet 36387, MedGen C2751778, MONDO:0013470, OMIM 613863.

Submission:

Labcorp Genetics (formerly Invitae), Labcorp
Classification: Uncertain significance for Neuropathy, hereditary sensory and autonomic, type 2A; Generalized epilepsy with febrile seizures plus, type 7. Last evaluated: 2025-06-24. Review status: criteria provided, single submitter. Criteria: Invitae Variant Classification Sherloc (09022015). Collection method: clinical testing. Allele origin: germline.
Comment: This sequence change replaces lysine, which is basic and polar, with glutamic acid, which is acidic and polar, at codon 1809 of the SCN9A protein (p.Lys1809Glu). This variant is not present in population databases (gnomAD no frequency). This variant has not been reported in the literature in individuals affected with SCN9A-related conditions. ClinVar contains an entry for this variant (Variation ID: 3762347). Invitae Evidence Modeling of protein sequence and biophysical properties (such as structural, functional, and spatial information, amino acid conservation, physicochemical variation, residue mobility, and thermodynamic stability) indicates that this missense variant is not expected to disrupt SCN9A protein function with a negative predictive value of 95%. In summary, the available evidence is currently insufficient to determine the role of this variant in disease. Therefore, it has been classified as a Variant of Uncertain Significance.